The following is an entry in ClinVar:

ClinVar aggregate classification (germline): Uncertain significance (1 of 4 stars; one submission).

Conditions:
Familial adenomatous polyposis 2. Also called: FAP type 2; COLORECTAL ADENOMATOUS POLYPOSIS, AUTOSOMAL RECESSIVE; ADENOMAS, MULTIPLE COLORECTAL, AUTOSOMAL RECESSIVE; MYH-associated polyposis; Adenomas, multiple colorectal; MUTYH-associated polyposis. Identifiers: Orphanet 220460, Orphanet 247798, MedGen C3272841, MONDO:0012041, OMIM 608456.

Submission:

Labcorp Genetics (formerly Invitae), Labcorp
Classification: Uncertain significance for Familial adenomatous polyposis 2. Last evaluated: 2024-10-07. Review status: criteria provided, single submitter. Criteria: Invitae Variant Classification Sherloc (09022015). Collection method: clinical testing. Allele origin: germline.
Comment: This sequence change falls in intron 12 of the MUTYH gene. It does not directly change the encoded amino acid sequence of the MUTYH protein. It affects a nucleotide within the consensus splice site. This variant is not present in population databases (gnomAD no frequency). This variant has not been reported in the literature in individuals affected with MUTYH-related conditions. Variants that disrupt the consensus splice site are a relatively common cause of aberrant splicing (PMID: 17576681, 9536098). Algorithms developed to predict the effect of sequence changes on RNA splicing suggest that this variant is not likely to affect RNA splicing. In summary, the available evidence is currently insufficient to determine the role of this variant in disease. Therefore, it has been classified as a Variant of Uncertain Significance.

Literature cited by the submitters: PubMed 17576681; PubMed 9536098.

NM_001048174.2(MUTYH):c.1102+6T>C

Gene: MUTYH (mutY DNA glycosylase; minus strand). Cytogenetic location: 1p34.1.
Variant type: single nucleotide variant.
Coding change: c.1102+6T>C on transcript NM_001048174.2 (MANE Select); 6 bases into the intron after coding-DNA position 1102, T replaced by C.
Molecular consequence: intron variant.
Genome position (GRCh38, 1-based): chr1:45,331,655, A>G on the plus strand (T>C on the coding strand, the complement: MUTYH is on the minus strand). VCF-style: chr1-45331655-A-G. GRCh37 (hg19) VCF-style: chr1-45797327-A-G.
Other names: c.1102+6T>C (NM_001407072.1, NM_001407073.1, NM_001048171.2 and 6 more transcripts); c.757+6T>C (NM_001350651.2, NM_001350650.2, NM_001407082.1); c.826+6T>C (NM_001293192.2, NM_001293196.2, NM_001407091.1); c.1147+6T>C (NM_001293190.2); c.1135+6T>C (NM_001407069.1, NM_001407077.1, NM_001293191.2); c.1177+6T>C (NM_012222.3); c.1186+6T>C (NM_001128425.2); c.1105+6T>C (NM_001407071.1, NM_001048172.2, NM_001407078.1 and 1 more transcripts); and 5 more.
Identifiers: ClinVar variation 3614334 (VCV003614334.2).